The following is an entry in ClinVar:

ClinVar aggregate classification (germline): Uncertain significance. Review status: criteria provided, multiple submitters, no conflicts (2 of 4 stars). 2 submissions from 2 submitters: Uncertain significance (2). Last evaluated 2025-12-23.

Allele frequency attached by ClinVar (database versions not stated): gnomAD exomes below 0.00001 and 0.00001; TOPMed below 0.00001.
gnomAD v4.1: 3 of 1,196,948 alleles (0.00025%); highest among the groups gnomAD compares: Admixed American, 0.0065%; no homozygotes.

Submissions (3):

Labcorp Genetics (formerly Invitae), Labcorp
Classification: Uncertain significance. Last evaluated: 2025-12-23. Review status: criteria provided, single submitter. Criteria: Invitae Variant Classification Sherloc (09022015). Collection method: clinical testing. Allele origin: germline.
Comment: This sequence change replaces lysine, which is basic and polar, with arginine, which is basic and polar, at codon 338 of the SH3KBP1 protein (p.Lys338Arg). This variant is present in population databases (no rsID available, gnomAD 0.004%). This variant has not been reported in the literature in individuals affected with SH3KBP1-related conditions. ClinVar contains an entry for this variant (Variation ID: 1469673). Invitae Evidence Modeling of protein sequence and biophysical properties (such as structural, functional, and spatial information, amino acid conservation, physicochemical variation, residue mobility, and thermodynamic stability) indicates that this missense variant is not expected to disrupt SH3KBP1 protein function with a negative predictive value of 80%. In summary, the available evidence is currently insufficient to determine the role of this variant in disease. Therefore, it has been classified as a Variant of Uncertain Significance.

Ambry Genetics
Classification: Uncertain significance. Last evaluated: 2024-08-19. Review status: criteria provided, single submitter. Criteria: Ambry Variant Classification Scheme 2023. Collection method: clinical testing. Allele origin: germline.

Dr. Peter K. Rogan Lab, Western University
No classification provided (evidence only). Condition: Thyroid cancer, nonmedullary, 1. Review status: no classification provided. Collection method: in vitro. Allele origin: not applicable. Functional consequence: retained intron. Not counted in ClinVar's aggregate classification.

NM_031892.3(SH3KBP1):c.1013A>G (p.Lys338Arg)

Gene: SH3KBP1 (SH3 domain containing kinase binding protein 1; minus strand). Cytogenetic location: Xp22.12.
Variant type: single nucleotide variant.
Coding change: c.1013A>G on transcript NM_031892.3 (MANE Select); coding-DNA position 1013, A replaced by G.
Protein change: p.Lys338Arg; replaces lysine 338 with arginine.
Molecular consequence: missense variant.
Genome position (GRCh38, 1-based): chrX:19,594,993, T>C on the plus strand (A>G on the coding strand, the complement: SH3KBP1 is on the minus strand). VCF-style: chrX-19594993-T-C. GRCh37 (hg19) VCF-style: chrX-19613111-T-C.
Other names: c.902A>G, p.Lys301Arg (NM_001024666.3); c.299A>G, p.Lys100Arg (NM_001184960.2, NM_001353897.2); c.1013A>G, p.Lys338Arg (NM_001353890.2); c.1088A>G, p.Lys363Arg (NM_001353891.2, NM_001353892.2); c.911A>G, p.Lys304Arg (NM_001353893.2, NM_001353894.2); c.968A>G, p.Lys323Arg (NM_001353895.2); c.1013A>G (NM_031892.2); short protein forms K304R, K363R, K100R, K338R, K301R, K323R.
Identifiers: ClinVar variation 1469673 (VCV001469673.8), dbSNP rs1213041798, ClinGen allele CA412500442.